The following is an entry in ClinVar:

NR_027350.2(MIR17HG):n.3459C>T

Gene: MIR17HG (miR-17-92a-1 cluster host gene; plus strand). Cytogenetic location: 13q31.3.
Variant type: single nucleotide variant.
Genome position: GRCh38 VCF-style: chr13-91352883-C-T. GRCh37 (hg19) VCF-style: chr13-92005137-C-T.
Identifiers: ClinVar variation 3060743 (VCV003060743.2), dbSNP rs7336610, ClinGen allele CA13819452.

ClinVar aggregate classification (germline): Benign (0 of 4 stars; one submission).

Conditions:
MIR17HG-related disorder. Also called: MIR17HG-related condition.

Allele frequency attached by ClinVar (database versions not stated): 1000 Genomes Project 30x 0.44691; 1000 Genomes Project 0.45288; gnomAD 0.46996; TOPMed 0.47273.
gnomAD v4.1: 71,523 of 151,662 alleles (47%); highest among the groups gnomAD compares: Admixed American, 59%; 18,387 homozygotes.

Submission:

PreventionGenetics, part of Exact Sciences
Classification: Benign for MIR17HG-related condition. Last evaluated: 2019-10-28. Review status: no assertion criteria provided. Collection method: clinical testing. Allele origin: germline.
Comment: This variant is classified as benign based on ACMG/AMP sequence variant interpretation guidelines (Richards et al. 2015 PMID: 25741868, with internal and published modifications).